The following is an entry in ClinVar:

ClinVar aggregate classification (germline): Uncertain significance (1 of 4 stars; one submission).

Submission:

GeneDx
Classification: Uncertain significance. Last evaluated: 2024-08-23. Review status: criteria provided, single submitter. Criteria: GeneDx Variant Classification Process June 2021. Collection method: clinical testing. Allele origin: germline. Affected: yes.
Comment: Not observed at significant frequency in large population cohorts (gnomAD); In silico analysis supports a deleterious effect on splicing; Has not been previously published as pathogenic or benign to our knowledge

NM_012448.4(STAT5B):c.1230C>T (p.Gly410=)

Gene: STAT5B (signal transducer and activator of transcription 5B; minus strand). Cytogenetic location: 17q21.2.
Variant type: single nucleotide variant.
Coding change: c.1230C>T on transcript NM_012448.4 (MANE Select); coding-DNA position 1230, C replaced by T.
Protein change: p.Gly410=; no amino-acid change (glycine 410 retained).
Molecular consequence: synonymous variant.
Genome position (GRCh38, 1-based): chr17:42,217,404, G>A on the plus strand (C>T on the coding strand, the complement: STAT5B is on the minus strand). VCF-style: chr17-42217404-G-A. GRCh37 (hg19) VCF-style: chr17-40369422-G-A.
Identifiers: ClinVar variation 3764141 (VCV003764141.1).